The following is an entry in ClinVar:

ClinVar aggregate classification (germline): Uncertain significance (1 of 4 stars; one submission).

Allele frequency attached by ClinVar (database versions not stated): gnomAD 0.00001.
gnomAD v4.1: 17 of 1,613,896 alleles (0.0011%); highest among the groups gnomAD compares: African/African-American, 0.0027%; no homozygotes.

Submission:

Labcorp Genetics (formerly Invitae), Labcorp
Classification: Uncertain significance. Last evaluated: 2022-11-07. Review status: criteria provided, single submitter. Criteria: Invitae Variant Classification Sherloc (09022015). Collection method: clinical testing. Allele origin: germline.
Comment: This variant has not been reported in the literature in individuals affected with EFL1-related conditions. This variant is present in population databases (no rsID available, gnomAD 0.007%). This sequence change replaces arginine, which is basic and polar, with serine, which is neutral and polar, at codon 20 of the EFL1 protein (p.Arg20Ser). Advanced modeling of protein sequence and biophysical properties (such as structural, functional, and spatial information, amino acid conservation, physicochemical variation, residue mobility, and thermodynamic stability) performed at Invitae indicates that this missense variant is expected to disrupt EFL1 protein function. In summary, the available evidence is currently insufficient to determine the role of this variant in disease. Therefore, it has been classified as a Variant of Uncertain Significance.

NM_024580.6(EFL1):c.60G>C (p.Arg20Ser)

Gene: EFL1 (elongation factor like GTPase 1; minus strand). Cytogenetic location: 15q25.2.
Variant type: single nucleotide variant.
Coding change: c.60G>C on transcript NM_024580.6 (MANE Select); coding-DNA position 60, G replaced by C.
Protein change: p.Arg20Ser; replaces arginine 20 with serine.
Molecular consequence: missense variant. On other transcripts: 5 prime UTR variant (1), non-coding transcript variant (1).
Genome position (GRCh38, 1-based): chr15:82,261,719, C>G on the plus strand (G>C on the coding strand, the complement: EFL1 is on the minus strand). VCF-style: chr15-82261719-C-G. GRCh37 (hg19) VCF-style: chr15-82554060-C-G.
Other names: c.60G>C, p.Arg20Ser (NM_001040610.3, NM_001322845.2); c.-645G>C (NM_001322844.2); short protein forms R20S.
Identifiers: ClinVar variation 2877550 (VCV002877550.3), dbSNP rs1194770123, ClinGen allele CA393286402.